The following is an entry in ClinVar:

NM_006514.4(SCN10A):c.5301T>G (p.Phe1767Leu)

Gene: SCN10A (sodium voltage-gated channel alpha subunit 10; minus strand). Cytogenetic location: 3p22.2.
Variant type: single nucleotide variant.
Coding change: c.5301T>G on transcript NM_006514.4 (MANE Select); coding-DNA position 5301, T replaced by G.
Protein change: p.Phe1767Leu; replaces phenylalanine 1767 with leucine.
Molecular consequence: missense variant.
Genome position (GRCh38, 1-based): chr3:38,697,919, A>C on the plus strand (T>G on the coding strand, the complement: SCN10A is on the minus strand). VCF-style: chr3-38697919-A-C. GRCh37 (hg19) VCF-style: chr3-38739410-A-C.
Other names: c.5298T>G, p.Phe1766Leu (NM_001293306.2); c.5007T>G, p.Phe1669Leu (NM_001293307.2); short protein forms F1767L, F1669L, F1766L.
Identifiers: ClinVar variation 1411583 (VCV001411583.10), dbSNP rs2063111131, ClinGen allele CA352154060.

ClinVar aggregate classification (germline): Uncertain significance. Review status: criteria provided, multiple submitters, no conflicts (2 of 4 stars). 2 submissions from 2 submitters: Uncertain significance (2). Last evaluated 2025-08-28.

Conditions:
Cardiovascular phenotype. Identifiers: MedGen CN230736.
Brugada syndrome. Also called: Sudden Unexplained Death Syndrome; Sudden unexpected nocturnal death syndrome; Sudden unexplained nocturnal death syndrome; Sudden Unexplained Nocturnal Death Syndrome (SUNDS). Identifiers: Orphanet 130, MedGen C1142166, MONDO:0015263.

Allele frequency attached by ClinVar (database versions not stated): gnomAD exomes below 0.00001; TOPMed below 0.00001; gnomAD 0.00001.

Submissions (2):

Ambry Genetics
Classification: Uncertain significance for Cardiovascular phenotype. Last evaluated: 2025-08-28. Review status: criteria provided, single submitter. Criteria: Ambry Variant Classification Scheme 2023. Collection method: clinical testing. Allele origin: germline.
Comment: The p.F1767L variant (also known as c.5301T>G), located in coding exon 27 of the SCN10A gene, results from a T to G substitution at nucleotide position 5301. The phenylalanine at codon 1767 is replaced by leucine, an amino acid with highly similar properties. This amino acid position is highly conserved in available vertebrate species. In addition, this alteration is predicted to be deleterious by in silico analysis. Since supporting evidence is limited at this time, the clinical significance of this alteration remains unclear.

Labcorp Genetics (formerly Invitae), Labcorp
Classification: Uncertain significance for Brugada syndrome. Last evaluated: 2023-03-30. Review status: criteria provided, single submitter. Criteria: Invitae Variant Classification Sherloc (09022015). Collection method: clinical testing. Allele origin: germline.
Comment: In summary, the available evidence is currently insufficient to determine the role of this variant in disease. Therefore, it has been classified as a Variant of Uncertain Significance. Advanced modeling of protein sequence and biophysical properties (such as structural, functional, and spatial information, amino acid conservation, physicochemical variation, residue mobility, and thermodynamic stability) performed at Invitae indicates that this missense variant is not expected to disrupt SCN10A protein function. ClinVar contains an entry for this variant (Variation ID: 1411583). This variant has not been reported in the literature in individuals affected with SCN10A-related conditions. This variant is not present in population databases (gnomAD no frequency). This sequence change replaces phenylalanine, which is neutral and non-polar, with leucine, which is neutral and non-polar, at codon 1767 of the SCN10A protein (p.Phe1767Leu).